The following is an entry in ClinVar:

NM_001297.5(CNGB1):c.838-2A>G

Gene: CNGB1 (cyclic nucleotide gated channel subunit beta 1; minus strand). Cytogenetic location: 16q21.
Variant type: single nucleotide variant.
Coding change: c.838-2A>G on transcript NM_001297.5 (MANE Select); the canonical splice acceptor site of the intron before coding-DNA position 838, A replaced by G.
Molecular consequence: splice acceptor variant.
Genome position (GRCh38, 1-based): chr16:57,957,379, T>C on the plus strand (A>G on the coding strand, the complement: CNGB1 is on the minus strand). VCF-style: chr16-57957379-T-C. GRCh37 (hg19) VCF-style: chr16-57991283-T-C.
Other names: c.820-2A>G (NM_001286130.2); c.838-2A>G (NM_001135639.2).
Identifiers: ClinVar variation 4733565 (VCV004733565.1).
Genomic context (GRCh38, chr16:57,957,379, plus strand): 5'-GACTCAGTAATGTGTCACTTACTGGTCTGCACATCACATATCCCAGGGGAGTCAGGCTCC[T>C]GCATGGAGAGAGAAAAAAGGGAAAATCCTGCCACGGCCTCTTCACCAGCCTCCCCGTTTC-3'

ClinVar aggregate classification (germline): Likely pathogenic (1 of 4 stars; one submission).

Submission:

Labcorp Genetics (formerly Invitae), Labcorp
Classification: Likely pathogenic. Last evaluated: 2025-12-18. Review status: criteria provided, single submitter. Criteria: Invitae Variant Classification Sherloc (09022015). Collection method: clinical testing. Allele origin: germline.
Comment: This sequence change affects an acceptor splice site in intron 11 of the CNGB1 gene. It is expected to disrupt RNA splicing. Variants that disrupt the donor or acceptor splice site typically lead to a loss of protein function (PMID: 16199547), and loss-of-function variants in CNGB1 are known to be pathogenic (PMID: 15557452, 24043777). This variant is not present in population databases (gnomAD no frequency). This variant has not been reported in the literature in individuals affected with CNGB1-related conditions. Algorithms developed to predict the effect of sequence changes on RNA splicing suggest that this variant may disrupt the consensus splice site. In summary, the currently available evidence indicates that the variant is pathogenic, but additional data are needed to prove that conclusively. Therefore, this variant has been classified as Likely Pathogenic.

Literature cited by the submitters: PubMed 16199547; PubMed 15557452; PubMed 24043777.